The following is an entry in ClinVar:

ClinVar aggregate classification (germline): Uncertain significance (1 of 4 stars; one submission).

Conditions:
Succinyl-CoA acetoacetate transferase deficiency (SCOTD). Also called: 3-Oxoacid CoA Transferase Deficiency; KETOACIDOSIS DUE TO SCOT DEFICIENCY; SCOT DEFICIENCY; SUCCINYL-CoA:3-KETOACID CoA-TRANSFERASE DEFICIENCY; Succinyl CoA:3-oxoacid CoA transferase deficiency. Identifiers: Orphanet 832, MedGen C0342792, MONDO:0009492, OMIM 245050.

Submission:

Neuberg Centre For Genomic Medicine, NCGM
Classification: Uncertain significance for Succinyl-CoA acetoacetate transferase deficiency. Review status: criteria provided, single submitter. Criteria: ACMG Guidelines, 2015. Collection method: clinical testing. Allele origin: germline. Inheritance: Autosomal recessive inheritance. Affected: yes.
Comment: The missense variant p.V475A in OXCT1 (NM_000436.4) has not been reported previously as a pathogenic variant nor as a benign variant, to our knowledge. The p.V475A variant is novel (not in any individuals) in gnomAD Exomes and is novel (not in any individuals) in 1000 Genomes. The amino acid Val at position 475 is changed to a Ala changing protein sequence and it might alter its composition and physico-chemical properties. The p.V475A missense variant is predicted to be damaging by both SIFT and PolyPhen2. The valine residue at codon 475 of OXCT1 is conserved in all mammalian species. The nucleotide c.1424 in OXCT1 is predicted conserved by GERP++ and PhyloP across 100 vertebrates. For these reasons, this variant has been classified as Uncertain Significance.

NM_000436.4(OXCT1):c.1424T>C (p.Val475Ala)

Gene: OXCT1 (3-oxoacid CoA-transferase 1; minus strand). Cytogenetic location: 5p13.1.
Variant type: single nucleotide variant.
Coding change: c.1424T>C on transcript NM_000436.4 (MANE Select); coding-DNA position 1424, T replaced by C.
Protein change: p.Val475Ala; replaces valine 475 with alanine.
Molecular consequence: missense variant. On other transcripts: non-coding transcript variant (1).
Genome position (GRCh38, 1-based): chr5:41,739,487, A>G on the plus strand (T>C on the coding strand, the complement: OXCT1 is on the minus strand). VCF-style: chr5-41739487-A-G. GRCh37 (hg19) VCF-style: chr5-41739589-A-G.
Other names: c.1445T>C, p.Val482Ala (NM_001364299.2, NM_001364300.2); c.1418T>C, p.Val473Ala (NM_001364301.2); c.1334T>C, p.Val445Ala (NM_001364302.2); c.866T>C, p.Val289Ala (NM_001364303.2); short protein forms V289A, V475A, V445A, V473A, V482A.
Identifiers: ClinVar variation 2585526 (VCV002585526.1), dbSNP rs2478254935, ClinGen allele CA359683770.